The following is an entry in ClinVar:

ClinVar aggregate classification (germline): Benign/Likely benign. Review status: criteria provided, multiple submitters, no conflicts (2 of 4 stars). 2 submissions from 2 submitters: Benign (1); Likely benign (1). Last evaluated 2026-03-23.

Conditions:
IFT56-related disorder. Also called: IFT56-related condition.

gnomAD v4.1: 466 of 1,606,686 alleles (0.029%); highest among the groups gnomAD compares: South Asian, 0.39%; 9 homozygotes.

Submissions (2):

PreventionGenetics, part of Exact Sciences
Classification: Likely benign for IFT56-related condition. Last evaluated: 2026-03-23. Review status: criteria provided, single submitter. Criteria: ACMG Guidelines, 2015. Collection method: clinical testing. Allele origin: germline.
Comment: This variant is classified as likely benign based on ACMG/AMP sequence variant interpretation guidelines (Richards et al. 2015 PMID: 25741868, with internal and published modifications).

Labcorp Genetics (formerly Invitae), Labcorp
Classification: Benign. Last evaluated: 2025-02-06. Review status: criteria provided, single submitter. Criteria: Invitae Variant Classification Sherloc (09022015). Collection method: clinical testing. Allele origin: germline.

NM_024926.4(IFT56):c.240C>T (p.Tyr80=)

Gene: IFT56 (intraflagellar transport 56; plus strand). Cytogenetic location: 7q34.
Variant type: single nucleotide variant.
Coding change: c.240C>T on transcript NM_024926.4 (MANE Select); coding-DNA position 240, C replaced by T.
Protein change: p.Tyr80=; no amino-acid change (tyrosine 80 retained).
Molecular consequence: synonymous variant. On other transcripts: 5 prime UTR variant (2).
Genome position (GRCh38, 1-based): chr7:139,139,895, C>T. VCF-style: chr7-139139895-C-T. GRCh37 (hg19) VCF-style: chr7-138824641-C-T.
Other names: c.240C>T, p.Tyr80= (NM_001144920.3, NM_001287512.2, NM_001321740.2 and 2 more transcripts); c.147C>T, p.Tyr49= (NM_001144923.3); c.-76C>T (NM_001287513.2); c.-342C>T (NM_001318333.2); c.240C>T (NM_024926.3).
Identifiers: ClinVar variation 4789182 (VCV004789182.2).
Genomic context (GRCh38, chr7:139,139,895, plus strand): 5'-GGCCCATCAATTGCTTTGCTGCCAAAATGAGATCACTGCTTACTATATATTTCAGGAATA[C>T]GAAAATGCTACAAAAGAGGAAAATTGTAATTCTGAAGTCTGGGTGAACCTAGCTTGCACC-3'
Protein context (NP_079202.2, residues 70-90): LGDYKRALEE[Tyr80=]ENATKEENCN